The following is an entry in ClinVar:

ClinVar aggregate classification (germline): Likely benign. Review status: criteria provided, multiple submitters, no conflicts (2 of 4 stars). 2 submissions from 2 submitters: Likely benign (2). Last evaluated 2026-01-13.

Conditions:
CEP290-related disorder. Also called: CEP290-related disorders; CEP290-related condition. Identifiers: MedGen CN239314.
Meckel-Gruber syndrome. Also called: Dysencephalia splachnocystica; DYSENCEPHALIA SPLANCHNOCYSTICA; GRUBER SYNDROME. Identifiers: Orphanet 564, MedGen C0265215, MONDO:0018921.
Joubert syndrome. Also called: Familial aplasia of the vermis; JOUBERT-BOLTSHAUSER SYNDROME. Identifiers: Orphanet 475, MedGen C5979921, MONDO:0018772.
Nephronophthisis. Also called: Juvenile Nephronophthisis. Identifiers: Orphanet 655, MedGen C0687120, MONDO:0019005, HP:0000090.

Submissions (2):

PreventionGenetics, part of Exact Sciences
Classification: Likely benign for CEP290-related condition. Last evaluated: 2026-01-13. Review status: criteria provided, single submitter. Criteria: ACMG Guidelines, 2015. Collection method: clinical testing. Allele origin: germline.
Comment: This variant is classified as likely benign based on ACMG/AMP sequence variant interpretation guidelines (Richards et al. 2015 PMID: 25741868, with internal and published modifications).

Labcorp Genetics (formerly Invitae), Labcorp
Classification: Likely benign for Joubert syndrome; Meckel-Gruber syndrome; Nephronophthisis. Last evaluated: 2023-11-15. Review status: criteria provided, single submitter. Criteria: Invitae Variant Classification Sherloc (09022015). Collection method: clinical testing. Allele origin: germline.

NM_025114.4(CEP290):c.6012-13_6012-12insA

Gene: CEP290 (centrosomal protein 290; minus strand). Cytogenetic location: 12q21.32.
Variant type: Insertion.
Coding change: c.6012-13_6012-12insA on transcript NM_025114.4 (MANE Select); 13 bases into the intron before coding-DNA position 6012 through 12 bases into the intron before coding-DNA position 6012, A inserted.
Molecular consequence: intron variant.
Genome position: GRCh38 VCF-style: chr12-88068657-A-AT. GRCh37 (hg19) VCF-style: chr12-88462434-A-AT.
Other names: c.6012-13_6012-12insA (NM_025114.3).
Identifiers: ClinVar variation 2929367 (VCV002929367.4), dbSNP rs1565807187, ClinGen allele CA606452470.